The following is an entry in ClinVar:

NM_001127222.2(CACNA1A):c.502G>A (p.Gly168Ser)

Gene: CACNA1A (calcium voltage-gated channel subunit alpha1 A; minus strand). Cytogenetic location: 19p13.13.
Variant type: single nucleotide variant.
Coding change: c.502G>A on transcript NM_001127222.2 (MANE Select); coding-DNA position 502, G replaced by A.
Protein change: p.Gly168Ser; replaces glycine 168 with serine.
Molecular consequence: missense variant.
Genome position (GRCh38, 1-based): chr19:13,452,913, C>T on the plus strand (G>A on the coding strand, the complement: CACNA1A is on the minus strand). VCF-style: chr19-13452913-C-T. GRCh37 (hg19) VCF-style: chr19-13563727-C-T.
Other names: c.502G>A, p.Gly168Ser (NM_000068.4, NM_001127221.2, NM_001174080.2 and 1 more transcripts); short protein forms G168S.
Identifiers: ClinVar variation 1399752 (VCV001399752.8), dbSNP rs2144936186, ClinGen allele CA404967485.
Genomic context (GRCh38, chr19:13,452,913, plus strand): 5'-AGCGTATAGCACGCGCCACTTACCCCGTTAGCACCACCACAAAGTCCATGACATTCCAGC[C>T]ATTCCTCAAGTAGGAGCCTTTGTGGAAGGCAAACCCAAGGGCAATGATTTTAATTCCAGC-3'
Protein context (NP_001120694.1, residues 158-178): AFHKGSYLRN[Gly168Ser]WNVMDFVVVL

ClinVar aggregate classification (germline): Uncertain significance (1 of 4 stars; one submission).

Conditions:
Developmental and epileptic encephalopathy, 42 (DEE42A). Also called: Epileptic encephalopathy, early infantile, 42; DEVELOPMENTAL AND EPILEPTIC ENCEPHALOPATHY 42A; EPILEPTIC ENCEPHALOPATHY, EARLY INFANTILE, 42A. Identifiers: MedGen C4310716, MONDO:0014917, OMIM 617106.
Episodic ataxia type 2 (EA2). Also called: EPISODIC ATAXIA, NYSTAGMUS-ASSOCIATED; ACETAZOLAMIDE-RESPONSIVE HEREDITARY PAROXYSMAL CEREBELLAR ATAXIA; ATAXIA, EPISODIC, WITH NYSTAGMUS; ATAXIA, FAMILIAL PAROXYSMAL; CEREBELLAR ATAXIA, PAROXYSMAL, ACETAZOLAMIDE-RESPONSIVE; CEREBELLOPATHY, HEREDITARY PAROXYSMAL. Identifiers: Orphanet 97, MedGen C1720416, MONDO:0007163, OMIM 108500.

Submission:

Labcorp Genetics (formerly Invitae), Labcorp
Classification: Uncertain significance for Developmental and epileptic encephalopathy, 42; Episodic ataxia type 2. Last evaluated: 2022-02-05. Review status: criteria provided, single submitter. Criteria: Invitae Variant Classification Sherloc (09022015). Collection method: clinical testing. Allele origin: germline.
Comment: In summary, the available evidence is currently insufficient to determine the role of this variant in disease. Therefore, it has been classified as a Variant of Uncertain Significance. Advanced modeling of protein sequence and biophysical properties (such as structural, functional, and spatial information, amino acid conservation, physicochemical variation, residue mobility, and thermodynamic stability) performed at Invitae indicates that this missense variant is expected to disrupt CACNA1A protein function. This variant has not been reported in the literature in individuals affected with CACNA1A-related conditions. This variant is not present in population databases (gnomAD no frequency). This sequence change replaces glycine, which is neutral and non-polar, with serine, which is neutral and polar, at codon 168 of the CACNA1A protein (p.Gly168Ser).